The following is an entry in ClinVar:

ClinVar aggregate classification (germline): Uncertain significance (1 of 4 stars; one submission).

Conditions:
Vici syndrome (VICIS). Identifiers: Orphanet 1493, MedGen C1855772, MONDO:0009452, OMIM 242840.

gnomAD v4.1: 10 of 1,613,606 alleles (0.00062%); highest among the groups gnomAD compares: East Asian, 0.0022%; no homozygotes.

Submission:

Labcorp Genetics (formerly Invitae), Labcorp
Classification: Uncertain significance for Vici syndrome. Last evaluated: 2022-02-02. Review status: criteria provided, single submitter. Criteria: Invitae Variant Classification Sherloc (09022015). Collection method: clinical testing. Allele origin: germline.
Comment: In summary, the available evidence is currently insufficient to determine the role of this variant in disease. Therefore, it has been classified as a Variant of Uncertain Significance. Algorithms developed to predict the effect of missense changes on protein structure and function (SIFT, PolyPhen-2, Align-GVGD) all suggest that this variant is likely to be tolerated. This variant has not been reported in the literature in individuals affected with EPG5-related conditions. This variant is present in population databases (no rsID available, gnomAD 0.006%). This sequence change replaces alanine, which is neutral and non-polar, with valine, which is neutral and non-polar, at codon 914 of the EPG5 protein (p.Ala914Val).

NM_020964.3(EPG5):c.2741C>T (p.Ala914Val)

Gene: EPG5 (ectopic P-granules 5 autophagy tethering factor; minus strand). Cytogenetic location: 18q21.1.
Variant type: single nucleotide variant.
Coding change: c.2741C>T on transcript NM_020964.3 (MANE Select); coding-DNA position 2741, C replaced by T.
Protein change: p.Ala914Val; replaces alanine 914 with valine.
Molecular consequence: missense variant.
Genome position (GRCh38, 1-based): chr18:45,923,365, G>A on the plus strand (C>T on the coding strand, the complement: EPG5 is on the minus strand). VCF-style: chr18-45923365-G-A. GRCh37 (hg19) VCF-style: chr18-43503331-G-A.
Other names: c.2741C>T, p.Ala914Val (NM_001410858.1, NM_001410859.1); short protein forms A914V.
Identifiers: ClinVar variation 1943343 (VCV001943343.3), dbSNP rs1461759787, ClinGen allele CA402345319.